The following is an entry in ClinVar:

ClinVar aggregate classification (germline): Uncertain significance (1 of 4 stars; one submission).

Conditions:
Hereditary cancer-predisposing syndrome. Also called: Hereditary Cancer Syndrome; Hereditary neoplastic syndrome; Tumor predisposition; Neoplastic Syndromes, Hereditary. Identifiers: Orphanet 140162, MedGen C0027672, MeSH D009386, MONDO:0015356.

Submission:

Ambry Genetics
Classification: Uncertain significance for Hereditary cancer-predisposing syndrome. Last evaluated: 2022-10-22. Review status: criteria provided, single submitter. Criteria: Ambry Variant Classification Scheme 2023. Collection method: clinical testing. Allele origin: germline.
Comment: The p.L796R variant (also known as c.2387T>G), located in coding exon 16 of the BRIP1 gene, results from a T to G substitution at nucleotide position 2387. The leucine at codon 796 is replaced by arginine, an amino acid with dissimilar properties. This amino acid position is conserved. In addition, this alteration is predicted to be deleterious by in silico analysis. Since supporting evidence is limited at this time, the clinical significance of this alteration remains unclear.

NM_032043.3(BRIP1):c.2387T>G (p.Leu796Arg)

Gene: BRIP1 (BRCA1 interacting DNA helicase 1; minus strand). Cytogenetic location: 17q23.2.
Variant type: single nucleotide variant.
Coding change: c.2387T>G on transcript NM_032043.3 (MANE Select); coding-DNA position 2387, T replaced by G.
Protein change: p.Leu796Arg; replaces leucine 796 with arginine.
Molecular consequence: missense variant.
Genome position (GRCh38, 1-based): chr17:61,716,056, A>C on the plus strand (T>G on the coding strand, the complement: BRIP1 is on the minus strand). VCF-style: chr17-61716056-A-C. GRCh37 (hg19) VCF-style: chr17-59793417-A-C.
Other names: short protein forms L796R.
Identifiers: ClinVar variation 1790511 (VCV001790511.2), dbSNP rs2544698113, ClinGen allele CA400479832.
Genomic context (GRCh38, chr17:61,716,056, plus strand): 5'-CACTGACGGCCAGGTAGAAGACCTCTCAATTTTGAATGGTGGTCATTGTATTGTCGTTTT[A>C]GTTCAACCTAATAATTTTAAAATATATTTAAAAAATTAGTAGATAATTAAAGCTCATTTT-3'
Protein context (NP_114432.2, residues 786-806): FPNVKDLQVE[Leu796Arg]KRQYNDHHSK